The following is an entry in ClinVar:

NM_032409.3(PINK1):c.1040T>C (p.Leu347Pro)

Genes: PINK1 (PTEN induced kinase 1; plus strand), PINK1-AS (PINK1 antisense RNA; minus strand). Cytogenetic location: 1p36.12.
Variant type: single nucleotide variant.
Coding change: c.1040T>C on transcript NM_032409.3 (MANE Select); coding-DNA position 1040, T replaced by C.
Protein change: p.Leu347Pro; replaces leucine 347 with proline.
Molecular consequence: missense variant. On other transcripts: non-coding transcript variant (1).
Genome position (GRCh38, 1-based): chr1:20,645,640, T>C. VCF-style: chr1-20645640-T-C. GRCh37 (hg19) VCF-style: chr1-20972133-T-C.
Other names: short protein forms L347P.
Identifiers: ClinVar variation 2408 (VCV000002408.25), dbSNP rs28940285, ClinGen allele CA252272.
Genomic context (GRCh38, chr1:20,645,640, plus strand): 5'-AGTACCTTTGTGTGAACACACCCAGCCCCCGCCTCGCCGCCATGATGCTGCTGCAGCTGC[T>C]GGAAGGCGTGGACCATCTGGTTCAACAGGGCATCGCGCACAGAGACCTGAAATCCGACAA-3'
Protein context (NP_115785.1, residues 337-357): RLAAMMLLQL[Leu347Pro]EGVDHLVQQG

ClinVar aggregate classification (germline): Pathogenic. Review status: criteria provided, multiple submitters, no conflicts (2 of 4 stars). 14 submissions from 14 submitters: Pathogenic (13). 1 of the submissions does not count toward it. Last evaluated 2026-05-07.

Conditions:
PINK1-related disorder. Also called: PINK1-related condition.
Autosomal recessive early-onset Parkinson disease 6 (PARK6). Also called: PARKINSON DISEASE 6, EARLY-ONSET; PINK1-Related Parkinson Disease; PARKINSON DISEASE 6, MODIFIER OF; PINK1 Type of Young-Onset Parkinson Disease. Identifiers: Orphanet 2828, MedGen C1853833, MONDO:0011613, OMIM 605909.

Allele frequency attached by ClinVar (database versions not stated): gnomAD exomes 0.00001 and 0.00002; ExAC 0.00002; gnomAD 0.00003 and 0.00004; TOPMed 0.00003.
gnomAD v4.1: 26 of 1,614,012 alleles (0.0016%); highest among the groups gnomAD compares: East Asian, 0.025%; no homozygotes.

Submissions (14):

Victorian Clinical Genetics Services, Murdoch Childrens Research Institute
Classification: Pathogenic for Autosomal recessive early-onset Parkinson disease 6. Last evaluated: 2026-05-07. Review status: criteria provided, single submitter. Criteria: ACMG Guidelines, 2015. Collection method: clinical testing. Allele origin: germline. Affected: yes.
Comment: This variant is classified as Pathogenic. Evidence in support of pathogenic classification: Variant is present in gnomAD <0.01 for a recessive condition (v4: 26 heterozygote(s), 0 homozygote(s)); This variant has strong previous evidence of pathogenicity in unrelated individuals. This variant has been classified multiple times as pathogenic by clinical laboratories in ClinVar. It has been reported in the literature in many homozygous individuals with early onset Parkinson's disease, and is likely a founder variant within south-east Asia and Polynesia (PMID: 32861104, PMID: 35844286); Missense variant predicted to be damaging by in silico tool(s) or highly conserved with a major amino acid change. Additional information: Variant is predicted to result in a missense amino acid change from Leu to Pro; This variant is homozygous; This gene is associated with autosomal recessive disease; Variant is located in the annotated protein kinase domain (DECIPHER); Loss of function is a known mechanism of disease in this gene and is associated with Parkinson disease 6, early onset (MIM#605909); Inheritance information for this variant is not currently available in this individual.

Mayo Clinic Laboratories, Mayo Clinic
Classification: Pathogenic. Last evaluated: 2025-05-12. Review status: criteria provided, single submitter. Criteria: ACMG Guidelines, 2015. Collection method: clinical testing. Allele origin: germline. Observed: 3 variant alleles.
Comment: PP3_moderate, PM2_supporting, PM3, PS3, PS4

GeneDx
Classification: Pathogenic. Last evaluated: 2025-04-30. Review status: criteria provided, single submitter. Criteria: GeneDx Variant Classification Process June 2021. Collection method: clinical testing. Allele origin: germline. Affected: yes.
Comment: Published functional studies demonstrate a damaging effect and show that this variant destabilizes the protein and drastically reduces kinase activity (PMID: 15824318); Published functional studies in Drosophilia demonstrate a damaging effect and show that this variant fails to translocate Parkin to the mitochondria and induce mitochondrial aggregation (PMID: 23303188); In silico analysis supports that this missense variant has a deleterious effect on protein structure/function; This variant is associated with the following publications: (PMID: 19880420, 22644621, 22956510, 15596610, 18359116, 32613234, 37750340, 32870915, 34159639, 17055324, 25558820, 20164189, 20798600, 23334666, 17579517, 19242547, 15349870, 32861104, 35844286, 36774704, 23303188, 15824318)

Variantyx, Inc.
Classification: Pathogenic for Autosomal recessive early-onset Parkinson disease 6. Last evaluated: 2025-03-20. Review status: criteria provided, single submitter. Criteria: Variantyx Assertion Criteria 2022. Collection method: clinical testing. Allele origin: germline. Inheritance: Autosomal recessive inheritance.
Comment: This is a nonsynonymous variant in the PINK1 gene (OMIM: 608309). Pathogenic variants in this gene have been associated with autosomal recessive early onset Parkinson disease 6. This variant has been reported in the homozygous or compound heterozygous state in many unrelated affected individuals (PMID:15349870, 34159639, 17055324, 22956510) (PM3). Functional studies have shown that this variant alters PINK1 protein function (PMID:17579517, 15824318) (PS3) and multiple computational algorithms predict a deleterious effect for this variant (REVEL score: 0.824) (PP3). This variant has a 0.0579% maximum allele frequency in non-founder control populations. Based on the current evidence, this variant is classified as pathogenic for autosomal recessive early onset Parkinson disease 6.

3billion
Classification: Pathogenic for Autosomal recessive early-onset Parkinson disease 6. Last evaluated: 2025-02-05. Review status: criteria provided, single submitter. Criteria: ACMG Guidelines, 2015. Collection method: clinical testing. Allele origin: germline. Affected: yes.
Comment: The variant is observed at an extremely low frequency in the gnomAD v4.1.0 dataset (total allele frequency: 0.002%). Predicted Consequence/Location: Missense variant Functional studies provide strong evidence of the variant having a damaging effect on the gene or gene product (PMID: 15824318, 17579517, 18359116). In silico tool predictions suggest damaging effect of the variant on gene or gene product [REVEL: 0.82 (>=0.6, sensitivity 0.68 and specificity 0.92); 3Cnet: 0.79 (>=0.6, sensitivity 0.72 and precision 0.9)]. The same nucleotide change resulting in the same amino acid change has been previously reported as pathogenic/likely pathogenic with strong evidence (ClinVar ID: VCV000002408 /PMID: 15349870 /3billion dataset). The variant has been reported to be in trans with a pathogenic variant as either compound heterozygous or homozygous in at least one similarly affected unrelated individual (PMID: 15349870). Therefore, this variant is classified as Pathogenic according to the recommendation of ACMG/AMP guideline.

Labcorp Genetics (formerly Invitae), Labcorp
Classification: Pathogenic for Autosomal recessive early-onset Parkinson disease 6. Last evaluated: 2024-10-08. Review status: criteria provided, single submitter. Criteria: Invitae Variant Classification Sherloc (09022015). Collection method: clinical testing. Allele origin: germline.
Comment: This sequence change replaces leucine, which is neutral and non-polar, with proline, which is neutral and non-polar, at codon 347 of the PINK1 protein (p.Leu347Pro). This variant is present in population databases (rs28940285, gnomAD 0.03%). This missense change has been observed in individuals with early-onset Parkinson disease (PMID: 15349870, 17055324, 22956510). It is commonly reported in individuals of Filipino ancestry (PMID: 15349870, 17055324, 22956510). ClinVar contains an entry for this variant (Variation ID: 2408). Invitae Evidence Modeling of protein sequence and biophysical properties (such as structural, functional, and spatial information, amino acid conservation, physicochemical variation, residue mobility, and thermodynamic stability) indicates that this missense variant is expected to disrupt PINK1 protein function with a positive predictive value of 95%. Experimental studies have shown that this missense change affects PINK1 function (PMID: 15824318, 17579517, 18359116, 23303188). For these reasons, this variant has been classified as Pathogenic.

Blueprint Genetics
Classification: Pathogenic for PINK1-related disorders. Last evaluated: 2024-07-22. Review status: criteria provided, single submitter. Criteria: ACMG Guidelines, 2015. Collection method: clinical testing. Allele origin: germline. Affected: yes. Observed: 5 variant alleles.

Fulgent Genetics
Classification: Pathogenic for Autosomal recessive early-onset Parkinson disease 6. Last evaluated: 2024-04-17. Review status: criteria provided, single submitter. Criteria: ACMG Guidelines, 2015. Collection method: clinical testing. Allele origin: germline.

Athena Diagnostics
Classification: Pathogenic. Last evaluated: 2023-03-24. Review status: criteria provided, single submitter. Criteria: Athena Diagnostics Criteria. Collection method: clinical testing. Allele origin: unknown.
Comment: The frequency of this variant in the general population is consistent with pathogenicity. This variant has been identified in multiple unrelated individuals with clinical features associated with this gene. Assessment of experimental evidence suggests this variant results in abnormal protein function. (PMID: 15824318, 17579517, 19242547, 19880420, 20798600, 23303188) In multiple individuals, this variant has been seen with a single recessive pathogenic variant in the same gene, suggesting this variant may also be pathogenic.

Department of Pathology and Laboratory Medicine, Sinai Health System
Classification: Pathogenic for Autosomal recessive early-onset Parkinson disease 6. Last evaluated: 2023-02-15. Review status: criteria provided, single submitter. Criteria: ACMG Guidelines, 2015. Collection method: research. Allele origin: germline.

AiLife Diagnostics
Classification: Pathogenic. Last evaluated: 2022-02-24. Review status: criteria provided, single submitter. Criteria: ACMG Guidelines, 2015. Collection method: clinical testing. Allele origin: germline. Affected: yes. Observed: 1 variant allele.

Genetics and Molecular Pathology, SA Pathology
Classification: Pathogenic for Autosomal recessive early-onset Parkinson disease 6. Last evaluated: 2020-04-27. Review status: criteria provided, single submitter. Criteria: ACMG Guidelines, 2015. Collection method: clinical testing. Allele origin: germline. Affected: yes.
Comment: PS3, PS4, PP3 The PINK1 c.1040T>C variant is a single nucleotide change from a thymine to a cytosine at position 1040 which is predicted to change the leucine at position 347 in the protein to proline. This variant has been reported in multiple unrelated families with early onset parkinsonism (PMID:15349870; PMID: 17055324) (PS4). Multiple functional studies have demonstrated that this variant destabilizes PINK1, reduces its kinase activity and affects its function (PMID: 15824318; PMID: 18359116) (PS3). This variant is thought to be a founder mutation in the Filipino population (PMID: 22644621). The variant is in dbSNP (rs28940285) and has been reported in population databases (gnomAD 5/282826, 0 homozygotes) (PM2 not applied as PS4 applied already). The variant has been reported in the ClinVar database as pathogenic by another diagnostic laboratory (Variation ID 2408). It has been reported in the HGMD database (CM042452). Computational predictions support a deleterious effect on the gene or gene product (PP3).

Institute of Human Genetics Munich, TUM University Hospital
Classification: Pathogenic for Autosomal recessive early-onset Parkinson disease 6. Last evaluated: 2019-06-07. Review status: criteria provided, single submitter. Criteria: Classification criteria August 2017. Collection method: clinical testing. Allele origin: germline. Inheritance: Autosomal recessive inheritance. Affected: yes. Observed: 1 homozygote.

OMIM
Classification: Pathogenic for PARKINSON DISEASE 6, AUTOSOMAL RECESSIVE EARLY-ONSET. Last evaluated: 2005-04-19. Review status: no assertion criteria provided. Collection method: literature only. Allele origin: germline. Not counted in ClinVar's aggregate classification.

Literature cited by the submitters: PubMed 32861104 (cited by 3 submitters); PubMed 35844286 (cited by 3 submitters); PubMed 15349870 (cited by 8 submitters); PubMed 15596610 (cited by 3 submitters); PubMed 15824318 (cited by 8 submitters); PubMed 17055324 (cited by 6 submitters); PubMed 17579517 (cited by 6 submitters); PubMed 18359116 (cited by 6 submitters); PubMed 32870915 (cited by 3 submitters); PubMed 34159639 (cited by 3 submitters); PubMed 36774704 (cited by Mayo Clinic Laboratories, Mayo Clinic and Athena Diagnostics); PubMed 22956510 (cited by 3 submitters); PubMed 23303188 (cited by 3 submitters); PubMed 25558820 (cited by Athena Diagnostics and AiLife Diagnostics); PubMed 20798600 (cited by Athena Diagnostics and AiLife Diagnostics); PubMed 19880420 (cited by Athena Diagnostics and AiLife Diagnostics); PubMed 19242547 (cited by Athena Diagnostics and AiLife Diagnostics); PubMed 23334666 (cited by AiLife Diagnostics); PubMed 22644621 (cited by AiLife Diagnostics and Genetics and Molecular Pathology, SA Pathology).